The following is an entry in ClinVar:

NM_001379150.1(IRS4):c.3215C>T (p.Ala1072Val)

Gene: IRS4 (insulin receptor substrate 4; minus strand). Cytogenetic location: Xq22.3.
Variant type: single nucleotide variant.
Coding change: c.3215C>T on transcript NM_001379150.1 (MANE Select); coding-DNA position 3215, C replaced by T.
Protein change: p.Ala1072Val; replaces alanine 1072 with valine.
Molecular consequence: missense variant.
Genome position (GRCh38, 1-based): chrX:108,733,130, G>A on the plus strand (C>T on the coding strand, the complement: IRS4 is on the minus strand). VCF-style: chrX-108733130-G-A. GRCh37 (hg19) VCF-style: chrX-107976360-G-A.
Other names: c.3215C>T, p.Ala1072Val (NM_003604.2); short protein forms A1072V.
Identifiers: ClinVar variation 1029727 (VCV001029727.2), dbSNP rs148098273, ClinGen allele CA334192029.

ClinVar aggregate classification (germline): Uncertain significance. Review status: criteria provided, multiple submitters, no conflicts (2 of 4 stars). 2 submissions from 2 submitters: Uncertain significance (2). Last evaluated 2026-03-02.

Conditions:
Hypothyroidism, congenital, nongoitrous, 9. Identifiers: MedGen C5231396, MONDO:0026732, OMIM 301035.

Allele frequency attached by ClinVar (database versions not stated): ESP Exome Variant Server 0.00009; gnomAD exomes 0.00002; TOPMed 0.00003; gnomAD 0.00005 and 0.00006.

Submissions (2):

Ambry Genetics
Classification: Uncertain significance. Last evaluated: 2026-03-02. Review status: criteria provided, single submitter. Criteria: Ambry Variant Classification Scheme 2023. Collection method: clinical testing. Allele origin: germline.
Comment: The c.3215C>T (p.A1072V) alteration is located in exon 1 (coding exon 1) of the IRS4 gene. This alteration results from a C to T substitution at nucleotide position 3215, causing the alanine (A) at amino acid position 1072 to be replaced by a valine (V). Based on data from gnomAD, the T allele has an overall frequency of 0.002% (3/183438) total alleles studied. The highest observed frequency was 0.008% (1/13160) of African alleles. Based on insufficient or conflicting evidence, the clinical significance of this alteration remains unclear.

Baylor Genetics
Classification: Uncertain significance for Hypothyroidism, congenital, nongoitrous, 9. Last evaluated: 2020-02-28. Review status: criteria provided, single submitter. Criteria: ACMG Guidelines, 2015. Collection method: clinical testing. Allele origin: unknown. Affected: yes.
Comment: This variant was determined to be of uncertain significance according to ACMG Guidelines, 2015 [PMID:25741868].